The following is an entry in ClinVar:

NM_015021.3(ZNF292):c.79G>C (p.Glu27Gln)

Genes: ZNF292 (zinc finger protein 292; plus strand), LOC129996783 (ATAC-STARR-seq lymphoblastoid active region 24794; plus strand). Cytogenetic location: 6q14.3.
Variant type: single nucleotide variant.
Coding change: c.79G>C on transcript NM_015021.3 (MANE Select); coding-DNA position 79, G replaced by C.
Protein change: p.Glu27Gln; replaces glutamic acid 27 with glutamine.
Molecular consequence: missense variant. On other transcripts: 5 prime UTR variant (1).
Genome position (GRCh38, 1-based): chr6:87,155,670, G>C. VCF-style: chr6-87155670-G-C. GRCh37 (hg19) VCF-style: chr6-87865388-G-C.
Other names: c.-487G>C (NM_001351444.2); short protein forms E27Q.
Identifiers: ClinVar variation 2576756 (VCV002576756.1), dbSNP rs2481824976, ClinGen allele CA365055989.

ClinVar aggregate classification (germline): Uncertain significance (1 of 4 stars; one submission).

Submission:

GeneDx
Classification: Uncertain significance. Last evaluated: 2023-02-21. Review status: criteria provided, single submitter. Criteria: GeneDx Variant Classification Process June 2021. Collection method: clinical testing. Allele origin: germline. Affected: yes.
Comment: Not observed at significant frequency in large population cohorts (gnomAD); In silico analysis supports that this missense variant has a deleterious effect on protein structure/function; Has not been previously published as pathogenic or benign to our knowledge